The following is an entry in ClinVar:

NM_001148.6(ANK2):c.7852GAA[1] (p.Glu2619del)

Genes: ANK2 (ankyrin 2; plus strand), LOC126807137 (CDK7 strongly-dependent group 2 enhancer GRCh37_chr4:114276560-114277759; plus strand). Cytogenetic location: 4q26.
Variant type: Microsatellite.
Coding change: c.7852GAA[1] on transcript NM_001148.6 (MANE Select); one copy of the 3-base unit GAA starting at c.7852; the reference has two copies in a row; one copy, 3 bases deleted.
Protein change: p.Glu2619del; deletes glutamic acid 2619.
Molecular consequence: inframe deletion. On other transcripts: intron variant (68).
Genome position (GRCh38, 1-based): chr4:113,356,473-113,356,475, GAA deleted; deleting any 3 consecutive bases within chr4:113,356,468-113,356,475 gives the same sequence; the position shown is the placement nearest the transcript's 3' end. VCF-style (leftmost placement, unchanged base first): chr4-113356467-CAAG-C. GRCh37 (hg19) VCF-style: chr4-114277623-CAAG-C.
Other names: c.7618GAA[1], p.Glu2541del (NM_001386142.1); c.4252GAA[1], p.Glu1419del (NM_001386166.1); c.7993GAA[1], p.Glu2666del (NM_001386174.1); c.7969GAA[1], p.Glu2658del (NM_001386175.1); c.4412-4350_4412-4348del (NM_001386186.2, NM_001386148.2); c.4214-4350_4214-4348del (NM_001354269.3); c.4292-4350_4292-4348del (NM_001386187.2); c.4253-4350_4253-4348del (NM_001386147.1); and 35 more; short protein forms E2541del, E2619del, E2666del, E1419del, E2658del.
Identifiers: ClinVar variation 4724404 (VCV004724404.1).

ClinVar aggregate classification (germline): Uncertain significance (1 of 4 stars; one submission).

Conditions:
Long QT syndrome (LQTS). Identifiers: MedGen C0023976, MeSH D008133, MONDO:0002442. Disease mechanism: loss of function. Inheritance: Various modes of inheritance.

Submission:

Labcorp Genetics (formerly Invitae), Labcorp
Classification: Uncertain significance for Long QT syndrome. Last evaluated: 2025-07-30. Review status: criteria provided, single submitter. Criteria: Invitae Variant Classification Sherloc (09022015). Collection method: clinical testing. Allele origin: germline.
Comment: This variant, c.7855_7857del, results in the deletion of 1 amino acid(s) of the ANK2 protein (p.Glu2619del), but otherwise preserves the integrity of the reading frame. This variant is not present in population databases (gnomAD no frequency). This variant has not been reported in the literature in individuals affected with ANK2-related conditions. Experimental studies and prediction algorithms are not available or were not evaluated, and the functional significance of this variant is currently unknown. In summary, the available evidence is currently insufficient to determine the role of this variant in disease. Therefore, it has been classified as a Variant of Uncertain Significance.